The following is an entry in ClinVar:

ClinVar aggregate classification (germline): Uncertain significance (1 of 4 stars; one submission).

Allele frequency attached by ClinVar (database versions not stated): TOPMed below 0.00001; ExAC 0.00001; gnomAD 0.00001; gnomAD exomes 0.00001; ESP Exome Variant Server 0.00008; 1000 Genomes Project 30x 0.00016; 1000 Genomes Project 0.00020.
gnomAD v4.1: 11 of 1,613,462 alleles (0.00068%); highest among the groups gnomAD compares: African/African-American, 0.0027%; no homozygotes.

Submission:

Labcorp Genetics (formerly Invitae), Labcorp
Classification: Uncertain significance. Last evaluated: 2022-02-11. Review status: criteria provided, single submitter. Criteria: Invitae Variant Classification Sherloc (09022015). Collection method: clinical testing. Allele origin: germline.
Comment: This sequence change replaces arginine, which is basic and polar, with glutamine, which is neutral and polar, at codon 1567 of the CAD protein (p.Arg1567Gln). This variant is present in population databases (rs144634871, gnomAD 0.007%). This variant has not been reported in the literature in individuals affected with CAD-related conditions. Algorithms developed to predict the effect of missense changes on protein structure and function output the following: SIFT: "Tolerated"; PolyPhen-2: "Benign"; Align-GVGD: "Class C0". The glutamine amino acid residue is found in multiple mammalian species, which suggests that this missense change does not adversely affect protein function. Algorithms developed to predict the effect of sequence changes on RNA splicing suggest that this variant may create or strengthen a splice site. In summary, the available evidence is currently insufficient to determine the role of this variant in disease. Therefore, it has been classified as a Variant of Uncertain Significance.

NM_004341.5(CAD):c.4700G>A (p.Arg1567Gln)

Gene: CAD (carbamoyl-phosphate synthetase 2, aspartate transcarbamylase, and dihydroorotase; plus strand). Cytogenetic location: 2p23.3.
Variant type: single nucleotide variant.
Coding change: c.4700G>A on transcript NM_004341.5 (MANE Select); coding-DNA position 4700, G replaced by A.
Protein change: p.Arg1567Gln; replaces arginine 1567 with glutamine.
Molecular consequence: missense variant.
Genome position (GRCh38, 1-based): chr2:27,237,854, G>A. VCF-style: chr2-27237854-G-A. GRCh37 (hg19) VCF-style: chr2-27460722-G-A.
Other names: c.4511G>A, p.Arg1504Gln (NM_001306079.2); short protein forms R1504Q, R1567Q.
Identifiers: ClinVar variation 1957850 (VCV001957850.2), dbSNP rs144634871, ClinGen allele CA1573613.